The following is an entry in ClinVar:

NM_001361.5(DHODH):c.1048T>G (p.Ser350Ala)

Genes: DHODH (dihydroorotate dehydrogenase (quinone); plus strand), LOC126862390 (MED14-independent group 3 enhancer GRCh37_chr16:72057307-72058506; plus strand). Cytogenetic location: 16q22.2.
Variant type: single nucleotide variant.
Coding change: c.1048T>G on transcript NM_001361.5 (MANE Select); coding-DNA position 1048, T replaced by G.
Protein change: p.Ser350Ala; replaces serine 350 with alanine.
Molecular consequence: missense variant.
Genome position (GRCh38, 1-based): chr16:72,023,548, T>G. VCF-style: chr16-72023548-T-G. GRCh37 (hg19) VCF-style: chr16-72057447-T-G.
Other names: short protein forms S350A.
Identifiers: ClinVar variation 885463 (VCV000885463.5), dbSNP rs770803023, ClinGen allele CA8158847.

ClinVar aggregate classification (germline): Conflicting classifications of pathogenicity. Review status: criteria provided, conflicting classifications (1 of 4 stars). 2 submissions from 2 submitters: Likely pathogenic (1); Uncertain significance (1). Last evaluated 2026-09-21.

Conditions:
Fetal anomalies with a likely genetic cause.
Miller syndrome (POADS). Also called: Genee-Wiedemann acrofacial dysostosis; GENEE-WIEDEMANN SYNDROME. Identifiers: Orphanet 246, MedGen C0265257, MONDO:0009903, OMIM 263750.

Allele frequency attached by ClinVar (database versions not stated): ExAC 0.00001; gnomAD exomes below 0.00001 and 0.00002.

Submissions (2):

Genetics Laboratory, Great Ormond Street Hospital NHS Foundation Trust, North Thames Genomic Laboratory Hub
Classification: Likely pathogenic for Fetal anomalies with a likely genetic cause. Last evaluated: 2026-09-21. Review status: criteria provided, single submitter. Criteria: ACGS Best Practice Guidelines for Variant Classification in Rare Disease 2024 v1.2. Collection method: clinical testing. Allele origin: germline. Affected: yes.
Comment: PM2_moderate, PP3_supporting, PM3_moderate, PP4_supporting

Illumina Laboratory Services, Illumina
Classification: Uncertain significance for Miller syndrome. Last evaluated: 2018-01-13. Review status: criteria provided, single submitter. Criteria: ICSL Variant Classification Criteria 13 December 2019. Collection method: clinical testing. Allele origin: germline.